The following is an entry in ClinVar:

NM_001734.5(C1S):c.1066+1G>A

Gene: C1S (complement C1s; plus strand). Cytogenetic location: 12p13.31.
Variant type: single nucleotide variant.
Coding change: c.1066+1G>A on transcript NM_001734.5 (MANE Select); the canonical splice donor site of the intron after coding-DNA position 1066, G replaced by A.
Molecular consequence: splice donor variant.
Genome position (GRCh38, 1-based): chr12:7,067,118, G>A. VCF-style: chr12-7067118-G-A. GRCh37 (hg19) VCF-style: chr12-7174422-G-A.
Other names: c.1066+1G>A (NM_201442.4); c.565+1G>A (NM_001346850.2).
Identifiers: ClinVar variation 3676313 (VCV003676313.2).

ClinVar aggregate classification (germline): Likely pathogenic (1 of 4 stars; one submission).

gnomAD v4.1: 5 of 1,566,116 alleles (0.00032%); highest among the groups gnomAD compares: Admixed American, 0.0017%; no homozygotes.

Submission:

Labcorp Genetics (formerly Invitae), Labcorp
Classification: Likely pathogenic. Last evaluated: 2024-10-03. Review status: criteria provided, single submitter. Criteria: Invitae Variant Classification Sherloc (09022015). Collection method: clinical testing. Allele origin: germline.
Comment: This sequence change affects a donor splice site in intron 9 of the C1S gene. It is expected to disrupt RNA splicing. Variants that disrupt the donor or acceptor splice site typically lead to a loss of protein function (PMID: 16199547), and loss-of-function variants in C1S are known to be pathogenic (PMID: 18062908). This variant is present in population databases (no rsID available, gnomAD 0.003%). This variant has not been reported in the literature in individuals affected with C1S-related conditions. Algorithms developed to predict the effect of sequence changes on RNA splicing suggest that this variant may disrupt the consensus splice site. In summary, the currently available evidence indicates that the variant is pathogenic, but additional data are needed to prove that conclusively. Therefore, this variant has been classified as Likely Pathogenic.

Literature cited by the submitters: PubMed 16199547; PubMed 18062908.